The following is an entry in ClinVar:

NM_004817.4(TJP2):c.2044C>G (p.Arg682Gly)

Gene: TJP2 (tight junction protein 2; plus strand). Cytogenetic location: 9q21.11.
Variant type: single nucleotide variant.
Coding change: c.2044C>G on transcript NM_004817.4 (MANE Select); coding-DNA position 2044, C replaced by G.
Protein change: p.Arg682Gly; replaces arginine 682 with glycine.
Molecular consequence: missense variant.
Genome position (GRCh38, 1-based): chr9:69,237,001, C>G. VCF-style: chr9-69237001-C-G. GRCh37 (hg19) VCF-style: chr9-71851917-C-G.
Other names: p.Arg682Gly; c.1975C>G, p.Arg659Gly (NM_001170414.2, NM_001369871.1); c.2056C>G, p.Arg686Gly (NM_001170415.1, NM_001369874.1, NM_001369875.1); c.2137C>G, p.Arg713Gly (NM_001170416.2); c.1969C>G, p.Arg657Gly (NM_001369870.1); c.2044C>G, p.Arg682Gly (NM_001369872.1, NM_001369873.1, NM_201629.3); short protein forms R657G, R659G, R682G, R686G, R713G.
Identifiers: ClinVar variation 3379868 (VCV003379868.1).

ClinVar aggregate classification (germline): Uncertain significance (1 of 4 stars; one submission).

gnomAD v4.1: 1 of 1,614,116 alleles (0.000062%); highest among the groups gnomAD compares: Non-Finnish European, 0.000085%; no homozygotes.

Submission:

Mayo Clinic Laboratories, Mayo Clinic
Classification: Uncertain significance. Last evaluated: 2024-09-12. Review status: criteria provided, single submitter. Criteria: ACMG Guidelines, 2015. Collection method: clinical testing. Allele origin: germline. Observed: 1 variant allele.
Comment: PM2